The following is an entry in ClinVar:

NM_001267550.2(TTN):c.27517del (p.Ser9173fs)

Gene: TTN (titin; minus strand). Cytogenetic location: 2q31.2.
Variant type: Deletion.
Coding change: c.27517del on transcript NM_001267550.2 (MANE Select); coding-DNA position 27517, one base deleted (A; older notation c.27517delA).
Protein change: p.Ser9173fs; shifts the reading frame from serine 9173.
Molecular consequence: frameshift variant. On other transcripts: intron variant (3).
Genome position (GRCh38, 1-based): chr2:178,712,405, T deleted on the plus strand (A on the coding strand, the reverse complement: TTN is on the minus strand); the first of 2 consecutive T bases (chr2:178,712,405-178,712,406); deleting either gives the same sequence. VCF-style (leftmost placement, unchanged base first): chr2-178712404-CT-C. GRCh37 (hg19) VCF-style: chr2-179577131-CT-C.
Other names: c.26566del, p.Ser8856fs (NM_001256850.1); c.23785del, p.Ser7929fs (NM_133378.4); c.13282+25677del (NM_003319.4); c.13858+25677del (NM_133437.4); c.13657+25677del (NM_133432.3); short protein forms S7929fs, S8856fs, S9173fs.
Identifiers: ClinVar variation 4784097 (VCV004784097.1).

ClinVar aggregate classification (germline): Likely pathogenic (1 of 4 stars; one submission).

Conditions:
Dilated cardiomyopathy 1G (CMD1G). Identifiers: Orphanet 154, MedGen C1858763, MONDO:0011400, OMIM 604145.
Autosomal recessive limb-girdle muscular dystrophy type 2J (LGMDR10). Also called: Limb-girdle muscular dystrophy, type 2J; MUSCULAR DYSTROPHY, LIMB-GIRDLE, AUTOSOMAL RECESSIVE 10. Identifiers: Orphanet 140922, MedGen C1837342, MONDO:0012127, OMIM 608807.

Submission:

Labcorp Genetics (formerly Invitae), Labcorp
Classification: Likely pathogenic for Dilated cardiomyopathy 1G; Autosomal recessive limb-girdle muscular dystrophy type 2J. Last evaluated: 2025-02-07. Review status: criteria provided, single submitter. Criteria: Invitae Variant Classification Sherloc (09022015). Collection method: clinical testing. Allele origin: germline.
Comment: This sequence change creates a premature translational stop signal (p.Ser9173Valfs*4) in the TTN gene. While this is not anticipated to result in nonsense mediated decay, it is expected to create a truncated TTN protein. This variant is not present in population databases (gnomAD no frequency). This variant has not been reported in the literature in individuals affected with TTN-related conditions. This variant is located in the I band of TTN (PMID: 25589632). Truncating variants in this region have been reported in individuals affected with autosomal recessive centronuclear myopathy (PMID: 23975875, internal data). Truncating variants in this region have also been identified in individuals affected with autosomal dominant dilated cardiomyopathy and/or cardio-related conditions (PMID: 27869827, 32964742, internal data). In summary, the currently available evidence indicates that the variant is pathogenic, but additional data are needed to prove that conclusively. Therefore, this variant has been classified as Likely Pathogenic.

Literature cited by the submitters: PubMed 25589632; PubMed 23975875; PubMed 27869827; PubMed 32964742.